The following is an entry in ClinVar:

NM_001277115.2(DNAH11):c.5266A>G (p.Ile1756Val)

Gene: DNAH11 (dynein axonemal heavy chain 11; plus strand). Cytogenetic location: 7p15.3.
Variant type: single nucleotide variant.
Coding change: c.5266A>G on transcript NM_001277115.2 (MANE Select); coding-DNA position 5266, A replaced by G.
Protein change: p.Ile1756Val; replaces isoleucine 1756 with valine.
Molecular consequence: missense variant.
Genome position (GRCh38, 1-based): chr7:21,658,969, A>G. VCF-style: chr7-21658969-A-G. GRCh37 (hg19) VCF-style: chr7-21698587-A-G.
Other names: short protein forms I1756V.
Identifiers: ClinVar variation 665519 (VCV000665519.13), dbSNP rs201257328, ClinGen allele CA4180345.

ClinVar aggregate classification (germline): Conflicting classifications of pathogenicity. Review status: criteria provided, conflicting classifications (1 of 4 stars). 4 submissions from 4 submitters: Uncertain significance (3); Likely benign (1). Last evaluated 2025-12-05.

Conditions:
Primary ciliary dyskinesia. Also called: Ciliary dyskinesia. Identifiers: Orphanet 244, MedGen C0008780, MONDO:0016575, HP:0012265.

Allele frequency attached by ClinVar (database versions not stated): gnomAD exomes 0.00020 and 0.00027; gnomAD 0.00032 and 0.00033; ExAC 0.00042; 1000 Genomes Project 30x 0.00016; TOPMed 0.00018.
gnomAD v4.1: 333 of 1,610,762 alleles (0.021%); highest among the groups gnomAD compares: Non-Finnish European, 0.024%; no homozygotes.

Submissions (4):

Labcorp Genetics (formerly Invitae), Labcorp
Classification: Likely benign for Primary ciliary dyskinesia. Last evaluated: 2025-12-05. Review status: criteria provided, single submitter. Criteria: Invitae Variant Classification Sherloc (09022015). Collection method: clinical testing. Allele origin: germline.

Blueprint Genetics
Classification: Uncertain significance. Last evaluated: 2024-10-10. Review status: criteria provided, single submitter. Criteria: ACMG Guidelines, 2015. Collection method: clinical testing. Allele origin: germline.

GeneDx
Classification: Uncertain significance. Last evaluated: 2024-07-24. Review status: criteria provided, single submitter. Criteria: GeneDx Variant Classification Process June 2021. Collection method: clinical testing. Allele origin: germline. Affected: yes.
Comment: In silico analysis indicates that this missense variant does not alter protein structure/function; Has not been previously published as pathogenic or benign to our knowledge

Ambry Genetics
Classification: Uncertain significance for Primary ciliary dyskinesia. Last evaluated: 2022-12-18. Review status: criteria provided, single submitter. Criteria: Ambry Variant Classification Scheme 2023. Collection method: clinical testing. Allele origin: germline.
Comment: The p.I1756V variant (also known as c.5266A>G), located in coding exon 30 of the DNAH11 gene, results from an A to G substitution at nucleotide position 5266. The isoleucine at codon 1756 is replaced by valine, an amino acid with highly similar properties. This amino acid position is well conserved in available vertebrate species. In addition, this alteration is predicted to be tolerated by in silico analysis. Since supporting evidence is limited at this time, the clinical significance of this alteration remains unclear.